The following is an entry in ClinVar:

ClinVar aggregate classification (germline): Uncertain significance (1 of 4 stars; one submission).

gnomAD v4.1: 12 of 1,613,756 alleles (0.00074%); highest among the groups gnomAD compares: East Asian, 0.027%; no homozygotes.

Submission:

ARUP Laboratories, Molecular Genetics and Genomics, ARUP Laboratories
Classification: Uncertain significance. Last evaluated: 2025-04-11. Review status: criteria provided, single submitter. Criteria: ARUP Molecular Germline Variant Investigation Process 2024. Collection method: clinical testing. Allele origin: germline.
Comment: The TTN c.23323A>C; p.Lys7775Gln variant (rs771592871) is rare in the general population (<0.2% allele frequency in the Genome Aggregation Database) and has not been reported in the medical literature in association with dilated cardiomyopathy (DCM) or other TTN-related disease. The clinical relevance of rare missense variants in this gene, which are identified on average once per individual sequenced in affected populations (Herman 2012), is not well understood. Yet, evidence suggests that the vast majority of such missense variants do not contribute to the clinical outcome of DCM (Begay 2015). Thus, the clinical significance of the p.Lys7775Gln variant cannot be determined with certainty. References: Begay RL et al. Role of Titin Missense Variants in Dilated Cardiomyopathy. J Am Heart Assoc. 2015 Nov 13;4(11). PMID: 26567375. Herman DS et al. Truncations of titin causing dilated cardiomyopathy. N Engl J Med. 2012 Feb 16;366(7):619-28. PMID: 22335739. Linke WA and Hamdani N. Gigantic business: titin properties and function through thick and thin. Circ Res 2014; 114(6): 1052-1068. PMID: 24625729.

NM_001267550.2(TTN):c.23323A>C (p.Lys7775Gln)

Gene: TTN (titin; minus strand). Cytogenetic location: 2q31.2.
Variant type: single nucleotide variant.
Coding change: c.23323A>C on transcript NM_001267550.2 (MANE Select); coding-DNA position 23323, A replaced by C.
Protein change: p.Lys7775Gln; replaces lysine 7775 with glutamine.
Molecular consequence: missense variant. On other transcripts: intron variant (3).
Genome position (GRCh38, 1-based): chr2:178,720,439, T>G on the plus strand (A>C on the coding strand, the complement: TTN is on the minus strand). VCF-style: chr2-178720439-T-G. GRCh37 (hg19) VCF-style: chr2-179585166-T-G.
Other names: c.22372A>C, p.Lys7458Gln (NM_001256850.1); c.19591A>C, p.Lys6531Gln (NM_133378.4); c.13282+17643A>C (NM_003319.4); c.13858+17643A>C (NM_133437.4); c.13657+17643A>C (NM_133432.3); short protein forms K6531Q, K7458Q, K7775Q.
Identifiers: ClinVar variation 4685749 (VCV004685749.1).
Genomic context (GRCh38, chr2:178,720,439, plus strand): 5'-ACAAACCTTTGAACTTGACAGAGCAAGAACACGTGTCACTTCCCACCTCATTAGTAGCTT[T>G]GCAGTGATATTCCCCGACATCGGAGGCTTCAAGATTAAGGATATGAAGACTTGTATCAAA-3'
Protein context (NP_001254479.2, residues 7765-7785): EASDVGEYHC[Lys7775Gln]ATNEVGSDTC